The following is an entry in ClinVar:

NM_002439.5(MSH3):c.3341A>G (p.His1114Arg)

Gene: MSH3 (mutS homolog 3; plus strand). Cytogenetic location: 5q14.1.
Variant type: single nucleotide variant.
Coding change: c.3341A>G on transcript NM_002439.5 (MANE Select); coding-DNA position 3341, A replaced by G.
Protein change: p.His1114Arg; replaces histidine 1114 with arginine.
Molecular consequence: missense variant.
Genome position (GRCh38, 1-based): chr5:80,875,789, A>G. VCF-style: chr5-80875789-A-G. GRCh37 (hg19) VCF-style: chr5-80171608-A-G.
Other names: short protein forms H1114R.
Identifiers: ClinVar variation 823636 (VCV000823636.13), dbSNP rs1158289237, ClinGen allele CA360347350.
Genomic context (GRCh38, chr5:80,875,789, plus strand): 5'-GTAGTATTTGATTTTTCCCCAGAAAGAGACTCAAGTATTTTGCAAAGTTATGGACGATGC[A>G]TAATGCACAAGACCTGCAGAAGTGGACAGAGGAGTTCAACATGGAAGAAACACAGACTTC-3'
Protein context (NP_002430.3, residues 1104-1124): LKYFAKLWTM[His1114Arg]NAQDLQKWTE

ClinVar aggregate classification (germline): Conflicting classifications of pathogenicity. Review status: criteria provided, conflicting classifications (1 of 4 stars). 5 submissions from 5 submitters: Uncertain significance (4); Likely benign (1). Last evaluated 2026-01-11.

Conditions:
Familial adenomatous polyposis 4 (FAP4). Also called: MSH3-related attenuated familial adenomatous polyposis. Identifiers: Orphanet 480536, MedGen C4310719, MONDO:0044300, OMIM 617100.
Hereditary cancer-predisposing syndrome. Also called: Neoplastic Syndromes, Hereditary; Tumor predisposition; Hereditary neoplastic syndrome; Hereditary Cancer Syndrome. Identifiers: Orphanet 140162, MedGen C0027672, MeSH D009386, MONDO:0015356.

Allele frequency attached by ClinVar (database versions not stated): TOPMed below 0.00001; gnomAD 0.00001; gnomAD exomes 0.00002.
gnomAD v4.1: 37 of 1,613,848 alleles (0.0023%); highest among the groups gnomAD compares: Non-Finnish European, 0.003%; no homozygotes.

Submissions (5):

Labcorp Genetics (formerly Invitae), Labcorp
Classification: Uncertain significance. Last evaluated: 2026-01-11. Review status: criteria provided, single submitter. Criteria: Invitae Variant Classification Sherloc (09022015). Collection method: clinical testing. Allele origin: germline.
Comment: This sequence change replaces histidine, which is basic and polar, with arginine, which is basic and polar, at codon 1114 of the MSH3 protein (p.His1114Arg). This variant is present in population databases (no rsID available, gnomAD 0.004%). This variant has not been reported in the literature in individuals affected with MSH3-related conditions. ClinVar contains an entry for this variant (Variation ID: 823636). An algorithm developed to predict the effect of missense changes on protein structure and function (PolyPhen-2) suggests that this variant is likely to be tolerated. In summary, the available evidence is currently insufficient to determine the role of this variant in disease. Therefore, it has been classified as a Variant of Uncertain Significance.

Quest Diagnostics Nichols Institute San Juan Capistrano
Classification: Uncertain significance. Last evaluated: 2024-09-28. Review status: criteria provided, single submitter. Criteria: Quest Diagnostics criteria. Collection method: clinical testing. Allele origin: unknown.
Comment: The MSH3 c.3341A>G (p.His1114Arg) variant has not been reported in individuals with MSH3-related conditions in the published literature. The frequency of this variant in the general population, 0.000044 (5/113492 chromosomes (Genome Aggregation Database)), is uninformative in the assessment of its pathogenicity. Analysis of this variant using bioinformatics tools for the prediction of the effect of amino acid changes on protein structure and function yielded predictions that this variant is benign. Based on the available information, we are unable to determine the clinical significance of this variant.

Ambry Genetics
Classification: Likely benign for Hereditary cancer-predisposing syndrome. Last evaluated: 2024-03-07. Review status: criteria provided, single submitter. Criteria: Ambry Variant Classification Scheme 2023. Collection method: clinical testing. Allele origin: germline.

St. Jude Molecular Pathology, St. Jude Children's Research Hospital
Classification: Uncertain significance for Familial adenomatous polyposis 4. Last evaluated: 2023-05-03. Review status: criteria provided, single submitter. Criteria: St. Jude Assertion Criteria 2020. Collection method: clinical testing. Allele origin: germline.
Comment: The MSH3 c.3341A>G (p.His1114Arg) missense change has a maximum subpopulation frequency of 0.006% in gnomAD v2.1.1. The in silico tool REVEL predicts a benign effect of this variant on protein function, and to our knowledge functional studies have not been performed. To our knowledge, this variant has not been reported in individuals with MSH3-associated familial adenomatous polyposis. In summary, the evidence currently available is insufficient to determine the clinical significance of this variant. It has therefore been classified as of uncertain significance.

Institute for Genomic Medicine (IGM) Clinical Laboratory, Nationwide Children's Hospital
Classification: Uncertain significance for Hereditary cancer-predisposing syndrome. Last evaluated: 2023-02-24. Review status: criteria provided, single submitter. Criteria: ACMG Guidelines, 2015. Collection method: clinical testing. Allele origin: germline.
Comment: This variant is absent from or present at an exceedingly low frequency in gnomAD, a large-scale control population database (ACMG/AMP: PM2). This variant results in a missense alteration in a gene for which primarily truncating variants are known to cause disease (ACMG/AMP: BP1).